The following is an entry in ClinVar:

NM_007186.6(CEP250):c.1462C>T (p.Arg488Cys)

Genes: CEP250 (centrosomal protein 250; plus strand), CEP250-AS1 (CEP250 antisense RNA 1; minus strand). Cytogenetic location: 20q11.22.
Variant type: single nucleotide variant.
Coding change: c.1462C>T on transcript NM_007186.6 (MANE Select); coding-DNA position 1462, C replaced by T.
Protein change: p.Arg488Cys; replaces arginine 488 with cysteine.
Molecular consequence: missense variant. On other transcripts: 5 prime UTR variant (1).
Genome position (GRCh38, 1-based): chr20:35,473,943, C>T. VCF-style: chr20-35473943-C-T. GRCh37 (hg19) VCF-style: chr20-34061768-C-T.
Other names: c.-438C>T (NM_001318219.1); short protein forms R488C.
Identifiers: ClinVar variation 939790 (VCV000939790.7), dbSNP rs151167358, ClinGen allele CA9832934.

ClinVar aggregate classification (germline): Uncertain significance. Review status: criteria provided, multiple submitters, no conflicts (2 of 4 stars). 3 submissions from 3 submitters: Uncertain significance (3). Last evaluated 2026-02-11.

Conditions:
CEP250-related disorder. Also called: CEP250-related condition.

Allele frequency attached by ClinVar (database versions not stated): gnomAD exomes 0.00006 and 0.00017; ExAC 0.00017; gnomAD 0.00046 and 0.00051; ESP Exome Variant Server 0.00054; TOPMed 0.00054.
gnomAD v4.1: 163 of 1,612,130 alleles (0.01%); highest among the groups gnomAD compares: African/African-American, 0.15%; no homozygotes.

Submissions (3):

PreventionGenetics, part of Exact Sciences
Classification: Uncertain significance for CEP250-related condition. Last evaluated: 2026-02-11. Review status: criteria provided, single submitter. Criteria: ACMG Guidelines, 2015. Collection method: clinical testing. Allele origin: germline.
Comment: The CEP250 c.1462C>T variant is predicted to result in the amino acid substitution p.Arg488Cys. To our knowledge, this variant has not been reported in the literature. This variant is reported in 0.13% of alleles in individuals of African descent in gnomAD. Although we suspect that this variant may be benign, at this time, the clinical significance of this variant is uncertain due to the absence of conclusive functional and genetic evidence.

Blueprint Genetics
Classification: Uncertain significance. Last evaluated: 2024-05-08. Review status: criteria provided, single submitter. Criteria: ACMG Guidelines, 2015. Collection method: clinical testing. Allele origin: germline.

Labcorp Genetics (formerly Invitae), Labcorp
Classification: Uncertain significance. Last evaluated: 2022-10-04. Review status: criteria provided, single submitter. Criteria: Invitae Variant Classification Sherloc (09022015). Collection method: clinical testing. Allele origin: germline.
Comment: This sequence change replaces arginine, which is basic and polar, with cysteine, which is neutral and slightly polar, at codon 488 of the CEP250 protein (p.Arg488Cys). This variant is present in population databases (rs151167358, gnomAD 0.1%). This variant has not been reported in the literature in individuals affected with CEP250-related conditions. ClinVar contains an entry for this variant (Variation ID: 939790). Algorithms developed to predict the effect of missense changes on protein structure and function are either unavailable or do not agree on the potential impact of this missense change (SIFT: "Not Available"; PolyPhen-2: "Probably Damaging"; Align-GVGD: "Not Available"). In summary, the available evidence is currently insufficient to determine the role of this variant in disease. Therefore, it has been classified as a Variant of Uncertain Significance.